The following is an entry in ClinVar:

NM_002769.5(PRSS1):c.443C>T (p.Ala148Val)

Genes: PRSS1 (serine protease 1; plus strand), TRB (T cell receptor beta locus; plus strand). Cytogenetic location: 7q34.
Variant type: single nucleotide variant.
Coding change: c.443C>T on transcript NM_002769.5 (MANE Select); coding-DNA position 443, C replaced by T.
Protein change: p.Ala148Val; replaces alanine 148 with valine.
Molecular consequence: missense variant. On other transcripts: non-coding transcript variant (5).
Genome position (GRCh38, 1-based): chr7:142,752,016, C>T. VCF-style: chr7-142752016-C-T. GRCh37 (hg19) VCF-style: chr7-142459867-C-T.
Other names: NC_000007.13:g.142459867C>T; short protein forms A148V.
Identifiers: ClinVar variation 1692721 (VCV001692721.7), dbSNP rs762545562, ClinGen allele CA4529969.

ClinVar aggregate classification (germline): Uncertain significance. Review status: criteria provided, multiple submitters, no conflicts (2 of 4 stars). 4 submissions from 4 submitters: Uncertain significance (4). Last evaluated 2025-12-16.

Conditions:
Hereditary pancreatitis (PCTT). Also called: Hereditary chronic pancreatitis; PRSS1-Related Hereditary Pancreatitis. Identifiers: Orphanet 676, MedGen C0238339, MONDO:0008185, OMIM 167800.

Submissions (5):

Labcorp Genetics (formerly Invitae), Labcorp
Classification: Uncertain significance for Hereditary pancreatitis. Last evaluated: 2025-12-16. Review status: criteria provided, single submitter. Criteria: Invitae Variant Classification Sherloc (09022015). Collection method: clinical testing. Allele origin: germline.
Comment: This sequence change replaces alanine, which is neutral and non-polar, with valine, which is neutral and non-polar, at codon 148 of the PRSS1 protein (p.Ala148Val). The frequency data for this variant in the population databases is considered unreliable, as metrics indicate poor data quality at this position in the gnomAD database. This missense change has been observed in individual(s) with benign pancreatic hyperenzymemia (PMID: 18580441). ClinVar contains an entry for this variant (Variation ID: 1692721). Invitae Evidence Modeling of protein sequence and biophysical properties (such as structural, functional, and spatial information, amino acid conservation, physicochemical variation, residue mobility, and thermodynamic stability) indicates that this missense variant is not expected to disrupt PRSS1 protein function with a negative predictive value of 80%. In summary, the available evidence is currently insufficient to determine the role of this variant in disease. Therefore, it has been classified as a Variant of Uncertain Significance.

Women's Health and Genetics/Laboratory Corporation of America, LabCorp
Classification: Uncertain significance. Last evaluated: 2025-01-22. Review status: criteria provided, single submitter. Criteria: LabCorp Variant Classification Summary - May 2015. Collection method: clinical testing. Allele origin: germline.
Comment: Variant summary: PRSS1 c.443C>T (p.Ala148Val) results in a non-conservative amino acid change located in the Serine proteases, trypsin domain profile (IPR001254) of the encoded protein sequence. Four of five in-silico tools predict a benign effect of the variant on protein function. The variant allele was found at a frequency of 3.2e-05 in 249694 control chromosomes. The available data on variant occurrences in the general population are insufficient to allow any conclusion about variant significance. c.443C>T has been reported in the literature in an individual affected with Benign Pancreatic Hyperenzymenmia (Gullo_2008) without evidence for causality. These report(s) do not provide unequivocal conclusions about association of the variant with Chronic Pancreatitis Risk. To our knowledge, no experimental evidence demonstrating an impact on protein function has been reported. The following publication have been ascertained in the context of this evaluation (PMID: 18580441). ClinVar contains an entry for this variant (Variation ID: 1692721). Based on the evidence outlined above, the variant was classified as uncertain significance.

Ambry Genetics
Classification: Uncertain significance for Hereditary pancreatitis. Last evaluated: 2023-02-28. Review status: criteria provided, single submitter. Criteria: Ambry Variant Classification Scheme 2023. Collection method: clinical testing. Allele origin: germline.
Comment: The p.A148V variant (also known as c.443C>T), located in coding exon 3 of the PRSS1 gene, results from a C to T substitution at nucleotide position 443. The alanine at codon 148 is replaced by valine, an amino acid with similar properties. This amino acid position is poorly conserved in available vertebrate species. In addition, this alteration is predicted to be tolerated by in silico analysis. Since supporting evidence is limited at this time, the clinical significance of this alteration remains unclear.

Sema4
Classification: Uncertain significance for Hereditary pancreatitis. Last evaluated: 2021-12-05. Review status: criteria provided, single submitter. Criteria: Sema4 Curation Guidelines. Collection method: curation. Allele origin: germline.
Comment: The PRSS1 c.443C>T (p.A148V) variant has been reported in 1 individual with breast cancer (PMID: 31780696) and 1 individual with benign pancreatic hyperenzymemia (PMID: 18580441). This variant was observed in 54/21060 chromosomes in the African/African American population according to the Genome Aggregation Database (PMID: 32461654). This variant has not been reported in ClinVar. Functional studies have not been performed, and in silico predictions of the variant's effect on protein function are inconclusive. The overall evidence is insufficient to meet ACMG/AMP criteria for classifying it as benign or pathogenic. In summary, the clinical significance of this variant is currently uncertain.

Dr. Peter K. Rogan Lab, Western University
No classification provided (evidence only). Condition: Familial cancer of breast. Review status: no classification provided. Collection method: in vitro. Allele origin: not applicable. Functional consequence: retained intron. Not counted in ClinVar's aggregate classification.

Literature cited by the submitters: PubMed 18580441 (cited by 3 submitters); PubMed 31780696 (cited by Sema4).